The following is an entry in ClinVar:

ClinVar aggregate classification (germline): Uncertain significance (1 of 4 stars; one submission).

Allele frequency attached by ClinVar (database versions not stated): gnomAD exomes below 0.00001.
gnomAD v4.1: 2 of 1,469,416 alleles (0.00014%); highest among the groups gnomAD compares: African/African-American, 0.0014%; no homozygotes.

Submission:

Labcorp Genetics (formerly Invitae), Labcorp
Classification: Uncertain significance. Last evaluated: 2023-07-25. Review status: criteria provided, single submitter. Criteria: Invitae Variant Classification Sherloc (09022015). Collection method: clinical testing. Allele origin: germline.
Comment: This sequence change replaces threonine, which is neutral and polar, with alanine, which is neutral and non-polar, at codon 385 of the MAGEL2 protein (p.Thr385Ala). This variant is present in population databases (no rsID available, gnomAD 0.004%). This variant has not been reported in the literature in individuals affected with MAGEL2-related conditions. Algorithms developed to predict the effect of missense changes on protein structure and function output the following: SIFT: "Not Available"; PolyPhen-2: "Not Available"; Align-GVGD: "Not Available". The alanine amino acid residue is found in multiple mammalian species, which suggests that this missense change does not adversely affect protein function. In summary, the available evidence is currently insufficient to determine the role of this variant in disease. Therefore, it has been classified as a Variant of Uncertain Significance.

NM_019066.5(MAGEL2):c.1153A>G (p.Thr385Ala)

Gene: MAGEL2 (MAGE family member L2; minus strand). Cytogenetic location: 15q11.2.
Variant type: single nucleotide variant.
Coding change: c.1153A>G on transcript NM_019066.5 (MANE Select); coding-DNA position 1153, A replaced by G.
Protein change: p.Thr385Ala; replaces threonine 385 with alanine.
Molecular consequence: missense variant.
Genome position (GRCh38, 1-based): chr15:23,646,590, T>C on the plus strand (A>G on the coding strand, the complement: MAGEL2 is on the minus strand). VCF-style: chr15-23646590-T-C. GRCh37 (hg19) VCF-style: chr15-23891737-T-C.
Other names: short protein forms T385A.
Identifiers: ClinVar variation 2855367 (VCV002855367.3), dbSNP rs1360596249, ClinGen allele CA391335060.